The following is an entry in ClinVar:

NM_018249.6(CDK5RAP2):c.1550A>T (p.Glu517Val)

Gene: CDK5RAP2 (CDK5 regulatory subunit associated protein 2; minus strand). Cytogenetic location: 9q33.2.
Variant type: single nucleotide variant.
Coding change: c.1550A>T on transcript NM_018249.6 (MANE Select); coding-DNA position 1550, A replaced by T.
Protein change: p.Glu517Val; replaces glutamic acid 517 with valine.
Molecular consequence: missense variant. On other transcripts: non-coding transcript variant (5).
Genome position (GRCh38, 1-based): chr9:120,487,370, T>A on the plus strand (A>T on the coding strand, the complement: CDK5RAP2 is on the minus strand). VCF-style: chr9-120487370-T-A. GRCh37 (hg19) VCF-style: chr9-123249648-T-A.
Other names: c.1550A>T, p.Glu517Val (NM_001011649.3, NM_001272039.2, NM_001410992.1 and 2 more transcripts); short protein forms E517V.
Identifiers: ClinVar variation 2499823 (VCV002499823.2), dbSNP rs142536951, ClinGen allele CA5214350.

ClinVar aggregate classification (germline): Uncertain significance. Review status: criteria provided, multiple submitters, no conflicts (2 of 4 stars). 2 submissions from 2 submitters: Uncertain significance (2). Last evaluated 2025-08-08.

Conditions:
Inborn genetic diseases. Identifiers: MedGen C0950123, MeSH D030342.

Allele frequency attached by ClinVar (database versions not stated): ExAC 0.00007; 1000 Genomes Project 30x 0.00016; 1000 Genomes Project 0.00020; gnomAD 0.00020; TOPMed 0.00022; ESP Exome Variant Server 0.00023.
gnomAD v4.1: 59 of 1,613,960 alleles (0.0037%); highest among the groups gnomAD compares: African/African-American, 0.067%; no homozygotes.

Submissions (2):

Ambry Genetics
Classification: Uncertain significance for Inborn genetic diseases. Last evaluated: 2025-08-08. Review status: criteria provided, single submitter. Criteria: Ambry Variant Classification Scheme 2023. Collection method: clinical testing. Allele origin: germline.

GeneDx
Classification: Uncertain significance. Last evaluated: 2023-04-18. Review status: criteria provided, single submitter. Criteria: GeneDx Variant Classification Process June 2021. Collection method: clinical testing. Allele origin: germline. Affected: yes.
Comment: In silico analysis supports that this missense variant has a deleterious effect on protein structure/function; Has not been previously published as pathogenic or benign to our knowledge